The following is an entry in ClinVar:

NM_020297.4(ABCC9):c.4603dup (p.Ala1535fs)

Genes: ABCC9 (ATP binding cassette subfamily C member 9; minus strand), KCNJ8-AS1 (KCNJ8 antisense RNA 1; plus strand). Cytogenetic location: 12p12.1.
Variant type: Duplication.
Coding change: c.4603dup on transcript NM_020297.4 (MANE Select); coding-DNA position 4603, one base duplicated (G; older notation c.4603dupG).
Protein change: p.Ala1535fs; shifts the reading frame from alanine 1535.
Molecular consequence: frameshift variant. On other transcripts: 3 prime UTR variant (1).
Genome position (GRCh38, 1-based): chr12:21,801,091, C duplicated on the plus strand (G on the coding strand, the reverse complement: ABCC9 is on the minus strand); the first of 2 consecutive C bases (chr12:21,801,091-21,801,092); duplicating either gives the same sequence. VCF-style (leftmost placement, unchanged base first): chr12-21801090-G-GC. GRCh37 (hg19) VCF-style: chr12-21954024-G-GC.
Other names: c.4603dup, p.Ala1535fs (NM_001377273.1); c.3736dup, p.Ala1246fs (NM_001377274.1); c.*129dup (NM_005691.4); short protein forms A1246fs, A1535fs.
Identifiers: ClinVar variation 2430294 (VCV002430294.2), dbSNP rs2540764770, ClinGen allele CA2580085250.

ClinVar aggregate classification (germline): Uncertain significance (1 of 4 stars; one submission).

Submission:

Centre of Medical Genetics, University Hospital Muenster
Classification: Uncertain significance. Last evaluated: 2023-02-13. Review status: criteria provided, single submitter. Criteria: ACMG Guidelines, 2015. Collection method: clinical testing. Allele origin: unknown. Affected: yes. Observed: 1 variant allele, 1 heterozygote.
Comment: ACMG categories: PM1,PM2

Literature cited by the submitters: PubMed 31575858.